The following is an entry in ClinVar:

ClinVar aggregate classification (germline): Uncertain significance (1 of 4 stars; one submission).

Conditions:
Severe combined immunodeficiency due to IKK2 deficiency. Also called: Immunodeficiency 15; IMMUNODEFICIENCY 15B. Identifiers: Orphanet 397787, MedGen C4747743, MONDO:0014267, OMIM 615592.

Submission:

Labcorp Genetics (formerly Invitae), Labcorp
Classification: Uncertain significance for Severe combined immunodeficiency due to IKK2 deficiency. Last evaluated: 2023-02-19. Review status: criteria provided, single submitter. Criteria: Invitae Variant Classification Sherloc (09022015). Collection method: clinical testing. Allele origin: germline.
Comment: In summary, the available evidence is currently insufficient to determine the role of this variant in disease. Therefore, it has been classified as a Variant of Uncertain Significance. Advanced modeling of protein sequence and biophysical properties (such as structural, functional, and spatial information, amino acid conservation, physicochemical variation, residue mobility, and thermodynamic stability) performed at Invitae indicates that this missense variant is not expected to disrupt IKBKB protein function. This variant has not been reported in the literature in individuals affected with IKBKB-related conditions. This variant is not present in population databases (gnomAD no frequency). This sequence change replaces serine, which is neutral and polar, with proline, which is neutral and non-polar, at codon 695 of the IKBKB protein (p.Ser695Pro).

NM_001556.3(IKBKB):c.2083T>C (p.Ser695Pro)

Gene: IKBKB (inhibitor of nuclear factor kappa B kinase subunit beta; plus strand). Cytogenetic location: 8p11.21.
Variant type: single nucleotide variant.
Coding change: c.2083T>C on transcript NM_001556.3 (MANE Select); coding-DNA position 2083, T replaced by C.
Protein change: p.Ser695Pro; replaces serine 695 with proline.
Molecular consequence: missense variant. On other transcripts: non-coding transcript variant (3).
Genome position (GRCh38, 1-based): chr8:42,326,066, T>C. VCF-style: chr8-42326066-T-C. GRCh37 (hg19) VCF-style: chr8-42183584-T-C.
Other names: c.1891T>C, p.Ser631Pro (NM_001190720.3); c.1906T>C, p.Ser636Pro (NM_001242778.2); short protein forms S695P, S631P, S636P.
Identifiers: ClinVar variation 2839014 (VCV002839014.3), dbSNP rs1820679317, ClinGen allele CA371093888.
Genomic context (GRCh38, chr8:42,326,066, plus strand): 5'-AGCATGAATGCCTCTCGACTTAGCCAGCCTGGGCAGCTGATGTCTCAGCCCTCCACGGCC[T>C]CCAACAGCTTACCTGAGCCAGCCAAGAAGAGGTAGGTCCTCCTTAGCAGTGCCAAGTGTG-3'
Protein context (NP_001547.1, residues 685-705): GQLMSQPSTA[Ser695Pro]NSLPEPAKKS